The following is an entry in ClinVar:

ClinVar aggregate classification (germline): Conflicting classifications of pathogenicity. Review status: criteria provided, conflicting classifications (1 of 4 stars). 3 submissions from 3 submitters: Uncertain significance (1); Likely benign (1). 1 of the submissions does not count toward it. Last evaluated 2024-03-28.

Conditions:
SETX-related disorder. Also called: SETX-related condition; SETX-related disorders. Identifiers: MedGen CN239403.
Amyotrophic lateral sclerosis type 4 (ALS4). Also called: AMYOTROPHIC LATERAL SCLEROSIS 4, JUVENILE; NEURONOPATHY, DISTAL HEREDITARY MOTOR, WITH PYRAMIDAL FEATURES. Identifiers: Orphanet 357043, MedGen C1865409, MONDO:0011223, OMIM 602433.
Spinocerebellar ataxia, autosomal recessive, with axonal neuropathy 2 (SCAN2). Also called: Ataxia with Oculomotor Apraxia; ATAXIA-OCULOMOTOR APRAXIA 2; Ataxia-ocular apraxia-2; Ataxia with Oculomotor Apraxia Type 2. Identifiers: Orphanet 64753, MedGen C1853761, MONDO:0018996, OMIM 606002.

Allele frequency attached by ClinVar (database versions not stated): ExAC 0.00001; gnomAD exomes 0.00001 and 0.00005; gnomAD 0.00002; TOPMed 0.00002; ESP Exome Variant Server 0.00008.
gnomAD v4.1: 75 of 1,613,792 alleles (0.0046%); highest among the groups gnomAD compares: Non-Finnish European, 0.0061%; no homozygotes.

Submissions (3):

Labcorp Genetics (formerly Invitae), Labcorp
Classification: Likely benign for Amyotrophic lateral sclerosis type 4; Spinocerebellar ataxia, autosomal recessive, with axonal neuropathy 2. Last evaluated: 2024-03-28. Review status: criteria provided, single submitter. Criteria: Invitae Variant Classification Sherloc (09022015). Collection method: clinical testing. Allele origin: germline.

CeGaT Center for Human Genetics Tuebingen
Classification: Uncertain significance. Last evaluated: 2024-01-01. Review status: criteria provided, single submitter. Criteria: CeGaT Center For Human Genetics Tuebingen Variant Classification Criteria Version 2. Collection method: clinical testing. Allele origin: germline. Affected: yes. Observed: 1 variant allele.
Comment: SETX: PM2:Supporting, BP4

PreventionGenetics, part of Exact Sciences
Classification: Likely benign for SETX-related condition. Last evaluated: 2019-06-05. Review status: no assertion criteria provided. Collection method: clinical testing. Allele origin: germline. Not counted in ClinVar's aggregate classification.
Comment: This variant is classified as likely benign based on ACMG/AMP sequence variant interpretation guidelines (Richards et al. 2015 PMID: 25741868, with internal and published modifications).

NM_015046.7(SETX):c.855T>C (p.Pro285=)

Gene: SETX (senataxin; minus strand). Cytogenetic location: 9q34.13.
Variant type: single nucleotide variant.
Coding change: c.855T>C on transcript NM_015046.7 (MANE Select); coding-DNA position 855, T replaced by C.
Protein change: p.Pro285=; no amino-acid change (proline 285 retained).
Molecular consequence: synonymous variant.
Genome position (GRCh38, 1-based): chr9:132,331,432, A>G on the plus strand (T>C on the coding strand, the complement: SETX is on the minus strand). VCF-style: chr9-132331432-A-G. GRCh37 (hg19) VCF-style: chr9-135206819-A-G.
Other names: c.855T>C (NM_015046.5); c.855T>C, p.Pro285= (NM_001351527.2, NM_001351528.2).
Identifiers: ClinVar variation 1120687 (VCV001120687.32), dbSNP rs141736312, ClinGen allele CA5297905.
Genomic context (GRCh38, chr9:132,331,432, plus strand): 5'-CCAGACCTTAGATCCAAGGCGATCCAGAATCACCATAAAACAGTGTAACGCTGGCCAGAA[A>G]GGATCCACACTATCATCTGAAATACAATGGCACAATCGTTGAATTACTAAACAGTTAGAA-3'
Protein context (NP_055861.3, residues 275-295): EREADDDSVD[Pro285=]FWPALHCFMV